The following is an entry in ClinVar:

ClinVar aggregate classification (germline): Pathogenic (1 of 4 stars; one submission).

Submission:

Labcorp Genetics (formerly Invitae), Labcorp
Classification: Pathogenic. Last evaluated: 2020-10-23. Review status: criteria provided, single submitter. Criteria: Invitae Variant Classification Sherloc (09022015). Collection method: clinical testing. Allele origin: germline.
Comment: This variant has not been reported in the literature in individuals with FAM161A-related conditions. For these reasons, this variant has been classified as Pathogenic. Algorithms developed to predict the effect of sequence changes on RNA splicing suggest that this variant may create or strengthen a splice site, but this prediction has not been confirmed by published transcriptional studies. This variant is not present in population databases (ExAC no frequency). This sequence change creates a premature translational stop signal (p.Val615Leufs*18) in the FAM161A gene. It is expected to result in an absent or disrupted protein product. Loss-of-function variants in FAM161A are known to be pathogenic (PMID: 20705278, 20705279, 24651477).

Literature cited by the submitters: PubMed 20705278; PubMed 20705279; PubMed 24651477.

NM_001201543.2(FAM161A):c.1842del (p.Val615fs)

Gene: FAM161A (FAM161 centrosomal protein A; minus strand). Cytogenetic location: 2p15.
Variant type: Deletion.
Coding change: c.1842del on transcript NM_001201543.2 (MANE Select); coding-DNA position 1842, one base deleted (A; older notation c.1842delA).
Protein change: p.Val615fs; shifts the reading frame from valine 615.
Molecular consequence: frameshift variant. On other transcripts: non-coding transcript variant (1).
Genome position (GRCh38, 1-based): chr2:61,836,019, T deleted on the plus strand (A on the coding strand, the reverse complement: FAM161A is on the minus strand). VCF-style (leftmost placement, unchanged base first): chr2-61836018-CT-C. GRCh37 (hg19) VCF-style: chr2-62063153-CT-C.
Other names: c.1674del, p.Val559fs (NM_032180.3); short protein forms V559fs, V615fs.
Identifiers: ClinVar variation 1070713 (VCV001070713.7), dbSNP rs2105073699, ClinGen allele CA2499216182.